The following is an entry in ClinVar:

ClinVar aggregate classification (germline): Uncertain significance (1 of 4 stars; one submission).

Allele frequency attached by ClinVar (database versions not stated): TOPMed 0.00003; gnomAD exomes below 0.00001; ExAC 0.00003; gnomAD 0.00001; ESP Exome Variant Server 0.00008.
gnomAD v4.1: 8 of 1,613,786 alleles (0.0005%); highest among the groups gnomAD compares: African/African-American, 0.004%; no homozygotes.

Submission:

Labcorp Genetics (formerly Invitae), Labcorp
Classification: Uncertain significance. Last evaluated: 2022-05-25. Review status: criteria provided, single submitter. Criteria: Invitae Variant Classification Sherloc (09022015). Collection method: clinical testing. Allele origin: germline.
Comment: In summary, the available evidence is currently insufficient to determine the role of this variant in disease. Therefore, it has been classified as a Variant of Uncertain Significance. Algorithms developed to predict the effect of missense changes on protein structure and function are either unavailable or do not agree on the potential impact of this missense change (SIFT: "Deleterious"; PolyPhen-2: "Probably Damaging"; Align-GVGD: "Class C15"). This variant has not been reported in the literature in individuals affected with LOXL3-related conditions. This variant is present in population databases (rs143357774, gnomAD 0.01%). This sequence change replaces aspartic acid, which is acidic and polar, with asparagine, which is neutral and polar, at codon 71 of the LOXL3 protein (p.Asp71Asn).

NM_032603.5(LOXL3):c.211G>A (p.Asp71Asn)

Genes: DOK1 (docking protein 1; plus strand), LOXL3 (lysyl oxidase like 3; minus strand). Cytogenetic location: 2p13.1.
Variant type: single nucleotide variant.
Coding change: c.211G>A on transcript NM_032603.5 (MANE Select); coding-DNA position 211, G replaced by A.
Protein change: p.Asp71Asn; replaces aspartic acid 71 with asparagine.
Molecular consequence: missense variant. On other transcripts: intron variant (1).
Genome position (GRCh38, 1-based): chr2:74,552,424, C>T on the plus strand (G>A on the coding strand, the complement: LOXL3 is on the minus strand). VCF-style: chr2-74552424-C-T. GRCh37 (hg19) VCF-style: chr2-74779551-C-T.
Other names: c.211G>A, p.Asp71Asn (NM_001289164.3); c.-357-2730C>T (NM_001197260.2); short protein forms D71N.
Identifiers: ClinVar variation 2097582 (VCV002097582.4), dbSNP rs143357774, ClinGen allele CA1729239.